The following is an entry in ClinVar:

NM_000368.5(TSC1):c.2071_2074delinsAGAT (p.Leu691_Arg692delinsArgTer)

Gene: TSC1 (TSC complex subunit 1; minus strand). Cytogenetic location: 9q34.13.
Variant type: Indel.
Coding change: c.2071_2074delinsAGAT on transcript NM_000368.5 (MANE Select); coding-DNA positions 2071 to 2074, CTCC replaced by AGAT.
Protein change: p.Leu691_Arg692delinsArgTer.
Molecular consequence: nonsense. On other transcripts: non-coding transcript variant (4).
Genome position (GRCh38, 1-based): chr9:132,903,785-132,903,788, GGAG replaced by ATCT on the plus strand (CTCC replaced by AGAT on the coding strand, the reverse complement: TSC1 is on the minus strand). VCF-style: chr9-132903785-GGAG-ATCT. GRCh37 (hg19) VCF-style: chr9-135779172-GGAG-ATCT.
Other names: c.2071_2074delCTCCinsAGAT, p.Leu691_Arg692delinsArgTer (NM_000368.4); c.2068_2071delinsAGAT, p.Leu690_Arg691delinsArgTer (NM_001162426.2, NM_001406597.1, NM_001406598.1 and 4 more transcripts); c.1918_1921delinsAGAT, p.Leu640_Arg641delinsArgTer (NM_001162427.2, NM_001406610.1); c.1708_1711delinsAGAT, p.Leu570_Arg571delinsArgTer (NM_001362177.2, NM_001406614.1, NM_001406615.1 and 5 more transcripts); c.2071_2074delinsAGAT, p.Leu691_Arg692delinsArgTer (NM_001406592.1, NM_001406593.1, NM_001406594.1 and 5 more transcripts); c.2056_2059delinsAGAT, p.Leu686_Arg687delinsArgTer (NM_001406601.1, NM_001406602.1); c.2053_2056delinsAGAT, p.Leu685_Arg686delinsArgTer (NM_001406603.1, NM_001406604.1); c.1915_1918delinsAGAT, p.Leu639_Arg640delinsArgTer (NM_001406611.1, NM_001406612.1, NM_001406613.1); and 4 more.
Identifiers: ClinVar variation 3346103 (VCV003346103.3).

ClinVar aggregate classification (germline): Pathogenic. Review status: criteria provided, single submitter (1 of 4 stars). 2 submissions from 2 submitters: Pathogenic (1). 1 of the submissions does not count toward it. Last evaluated 2024-10-07.

Conditions:
TSC1-related disorder. Also called: TSC1-related condition.
Tuberous sclerosis 1 (TSC1). Identifiers: Orphanet 805, MedGen C1854465, MONDO:0008612, OMIM 191100.

Submissions (2):

Labcorp Genetics (formerly Invitae), Labcorp
Classification: Pathogenic for Tuberous sclerosis 1. Last evaluated: 2024-10-07. Review status: criteria provided, single submitter. Criteria: Invitae Variant Classification Sherloc (09022015). Collection method: clinical testing. Allele origin: germline.
Comment: This sequence change creates a premature translational stop signal (p.Leu691_Arg692delinsArg*) in the TSC1 gene. It is expected to result in an absent or disrupted protein product. Loss-of-function variants in TSC1 are known to be pathogenic (PMID: 10227394, 17304050). Information on the frequency of this variant in the gnomAD database is not available, as this variant may be reported differently in the database. This variant has not been reported in the literature in individuals affected with TSC1-related conditions. For these reasons, this variant has been classified as Pathogenic.

PreventionGenetics, part of Exact Sciences
Classification: Likely pathogenic for TSC1-related condition. Last evaluated: 2024-06-28. Review status: no assertion criteria provided. Collection method: clinical testing. Allele origin: germline. Not counted in ClinVar's aggregate classification.
Comment: The TSC1 c.2071_2074delinsAGAT variant is predicted to result in an in-frame deletion and insertion. To our knowledge, this variant has not been reported in the literature or in a large population database, indicating this variant is rare. Truncating variants in this gene is expected to be pathogenic. This variant is interpreted as likely pathogenic.

Literature cited by the submitters: PubMed 10227394 (cited by Labcorp Genetics (formerly Invitae), Labcorp); PubMed 17304050 (cited by Labcorp Genetics (formerly Invitae), Labcorp).